The following is an entry in ClinVar:

ClinVar aggregate classification (germline): Uncertain significance (1 of 4 stars; one submission).

Submission:

Laboratory for Molecular Medicine, Mass General Brigham Personalized Medicine
Classification: Uncertain significance. Last evaluated: 2017-07-05. Review status: criteria provided, single submitter. Criteria: LMM Criteria. Collection method: clinical testing. Allele origin: germline. Observed: 1 variant allele.
Comment: The p.Thr2467Asn variant in OTOG has not been previously reported in individuals with hearing loss or in large population studies. Computational prediction tool s and conservation analyses suggest that this variant may not impact the protein , though this information is not predictive enough to rule out pathogenicity. I n summary, the clinical significance of the p.Thr2467Asn variant is uncertain.

NM_001292063.2(OTOG):c.7364C>A (p.Thr2455Asn)

Gene: OTOG (otogelin; plus strand). Cytogenetic location: 11p15.1.
Variant type: single nucleotide variant.
Coding change: c.7364C>A on transcript NM_001292063.2 (MANE Select); coding-DNA position 7364, C replaced by A.
Protein change: p.Thr2455Asn; replaces threonine 2455 with asparagine.
Molecular consequence: missense variant.
Genome position (GRCh38, 1-based): chr11:17,634,165, C>A. VCF-style: chr11-17634165-C-A. GRCh37 (hg19) VCF-style: chr11-17655712-C-A.
Other names: c.7400C>A, p.Thr2467Asn (NM_001277269.2); short protein forms T2467N, T2455N.
Identifiers: ClinVar variation 517453 (VCV000517453.5), dbSNP rs1554979068, ClinGen allele CA379812105.